The following is an entry in ClinVar:

NM_003062.4(SLIT3):c.1509C>T (p.Leu503=)

Gene: SLIT3 (slit guidance ligand 3; minus strand). Cytogenetic location: 5q34.
Variant type: single nucleotide variant.
Coding change: c.1509C>T on transcript NM_003062.4 (MANE Select); coding-DNA position 1509, C replaced by T.
Protein change: p.Leu503=; no amino-acid change (leucine 503 retained).
Molecular consequence: synonymous variant.
Genome position (GRCh38, 1-based): chr5:168,762,640, G>A on the plus strand (C>T on the coding strand, the complement: SLIT3 is on the minus strand). VCF-style: chr5-168762640-G-A. GRCh37 (hg19) VCF-style: chr5-168189645-G-A.
Other names: c.1509C>T, p.Leu503= (NM_001271946.2).
Identifiers: ClinVar variation 2656058 (VCV002656058.24), dbSNP rs766484740, ClinGen allele CA3551614.

ClinVar aggregate classification (germline): Likely benign (1 of 4 stars; one submission).

Allele frequency attached by ClinVar (database versions not stated): ExAC 0.00002; gnomAD 0.00003; gnomAD exomes 0.00003; TOPMed 0.00004.
gnomAD v4.1: 43 of 1,614,040 alleles (0.0027%); highest among the groups gnomAD compares: Non-Finnish European, 0.0036%; no homozygotes.

Submission:

CeGaT Center for Human Genetics Tuebingen
Classification: Likely benign. Last evaluated: 2023-01-01. Review status: criteria provided, single submitter. Criteria: CeGaT Center For Human Genetics Tuebingen Variant Classification Criteria Version 2. Collection method: clinical testing. Allele origin: germline. Affected: yes. Observed: 1 variant allele.
Comment: SLIT3: BP4, BP7